The following is an entry in ClinVar:

ClinVar aggregate classification (germline): Uncertain significance (1 of 4 stars; one submission).

Conditions:
Colorectal cancer, susceptibility to, 12 (CRCS12). Also called: COLORECTAL CANCER, SUSCEPTIBILITY TO, ON CHROMOSOME 12q24. Identifiers: Orphanet 220460, MedGen C3554460, MONDO:0014038, OMIM 615083.

Allele frequency attached by ClinVar (database versions not stated): gnomAD exomes below 0.00001.
gnomAD v4.1: 1 of 1,614,164 alleles (0.000062%); highest among the groups gnomAD compares: Non-Finnish European, 0.000085%; no homozygotes.

Submission:

Labcorp Genetics (formerly Invitae), Labcorp
Classification: Uncertain significance for Colorectal cancer, susceptibility to, 12. Last evaluated: 2018-09-29. Review status: criteria provided, single submitter. Criteria: Invitae Variant Classification Sherloc (09022015). Collection method: clinical testing. Allele origin: germline.
Comment: This sequence change replaces proline with leucine at codon 1210 of the POLE protein (p.Pro1210Leu). The proline residue is moderately conserved and there is a moderate physicochemical difference between proline and leucine. This variant is not present in population databases (ExAC no frequency). This variant has not been reported in the literature in individuals with POLE-related disease. Algorithms developed to predict the effect of missense changes on protein structure and function output the following: SIFT: "Tolerated"; PolyPhen-2: "Benign"; Align-GVGD: "Class C0". The leucine amino acid residue is found in multiple mammalian species, suggesting that this missense change does not adversely affect protein function. These predictions have not been confirmed by published functional studies and their clinical significance is uncertain. In summary, the available evidence is currently insufficient to determine the role of this variant in disease. Therefore, it has been classified as a Variant of Uncertain Significance.

NM_006231.4(POLE):c.3629C>T (p.Pro1210Leu)

Gene: POLE (DNA polymerase epsilon, catalytic subunit; minus strand). Cytogenetic location: 12q24.33.
Variant type: single nucleotide variant.
Coding change: c.3629C>T on transcript NM_006231.4 (MANE Select); coding-DNA position 3629, C replaced by T.
Protein change: p.Pro1210Leu; replaces proline 1210 with leucine.
Molecular consequence: missense variant.
Genome position (GRCh38, 1-based): chr12:132,649,843, G>A on the plus strand (C>T on the coding strand, the complement: POLE is on the minus strand). VCF-style: chr12-132649843-G-A. GRCh37 (hg19) VCF-style: chr12-133226429-G-A.
Other names: short protein forms P1210L.
Identifiers: ClinVar variation 645150 (VCV000645150.1), dbSNP rs1593751410, ClinGen allele CA387386918.